The following is an entry in ClinVar:

ClinVar aggregate classification (germline): Likely benign. Review status: criteria provided, multiple submitters, no conflicts (2 of 4 stars). 3 submissions from 3 submitters: Likely benign (2). 1 of the submissions does not count toward it. Last evaluated 2025-03-03.

Conditions:
Spinocerebellar ataxia type 19/22 (SCA19). Also called: SPINOCEREBELLAR ATAXIA 22; SPINOCEREBELLAR ATAXIA 19. Identifiers: Orphanet 98772, MedGen C1846367, MONDO:0011819, OMIM 607346.
Cardiovascular phenotype. Identifiers: MedGen CN230736.
KCND3-related disorder. Also called: KCND3-related condition.

Allele frequency attached by ClinVar (database versions not stated): gnomAD 0.00001 and 0.00003; gnomAD exomes 0.00002 and 0.00006; TOPMed 0.00002; ExAC 0.00004.
gnomAD v4.1: 84 of 1,614,206 alleles (0.0052%); highest among the groups gnomAD compares: East Asian, 0.14%; no homozygotes.

Submissions (3):

Labcorp Genetics (formerly Invitae), Labcorp
Classification: Likely benign for Spinocerebellar ataxia type 19/22. Last evaluated: 2025-03-03. Review status: criteria provided, single submitter. Criteria: Invitae Variant Classification Sherloc (09022015). Collection method: clinical testing. Allele origin: germline.

Ambry Genetics
Classification: Likely benign for Cardiovascular phenotype. Last evaluated: 2022-07-23. Review status: criteria provided, single submitter. Criteria: Ambry Variant Classification Scheme 2023. Collection method: clinical testing. Allele origin: germline.

PreventionGenetics, part of Exact Sciences
Classification: Likely benign for KCND3-related condition. Last evaluated: 2019-04-25. Review status: no assertion criteria provided. Collection method: clinical testing. Allele origin: germline. Not counted in ClinVar's aggregate classification.
Comment: This variant is classified as likely benign based on ACMG/AMP sequence variant interpretation guidelines (Richards et al. 2015 PMID: 25741868, with internal and published modifications).

NM_001378969.1(KCND3):c.324C>T (p.Tyr108=)

Gene: KCND3 (potassium voltage-gated channel subfamily D member 3; minus strand). Cytogenetic location: 1p13.2.
Variant type: single nucleotide variant.
Coding change: c.324C>T on transcript NM_001378969.1 (MANE Select); coding-DNA position 324, C replaced by T.
Protein change: p.Tyr108=; no amino-acid change (tyrosine 108 retained).
Molecular consequence: synonymous variant.
Genome position (GRCh38, 1-based): chr1:111,982,403, G>A on the plus strand (C>T on the coding strand, the complement: KCND3 is on the minus strand). VCF-style: chr1-111982403-G-A. GRCh37 (hg19) VCF-style: chr1-112525025-G-A.
Other names: c.324C>T, p.Tyr108= (NM_001378970.1, NM_004980.5, NM_172198.3).
Identifiers: ClinVar variation 1577729 (VCV001577729.12), dbSNP rs777559132, ClinGen allele CA1007615.